The following is an entry in ClinVar:

NM_002890.3(RASA1):c.3067T>A (p.Leu1023Met)

Genes: CCNH (cyclin H; minus strand), RASA1 (RAS p21 protein activator 1; plus strand). Cytogenetic location: 5q14.3.
Variant type: single nucleotide variant.
Coding change: c.3067T>A on transcript NM_002890.3 (MANE Select); coding-DNA position 3067, T replaced by A.
Protein change: p.Leu1023Met; replaces leucine 1023 with methionine.
Molecular consequence: missense variant. On other transcripts: 3 prime UTR variant (2), non-coding transcript variant (1), intron variant (1).
Genome position (GRCh38, 1-based): chr5:87,390,806, T>A. VCF-style: chr5-87390806-T-A. GRCh37 (hg19) VCF-style: chr5-86686623-T-A.
Other names: c.2536T>A, p.Leu846Met (NM_022650.3); c.*2054A>T (NM_001363539.2, NM_001364076.2); c.933+4238A>T (NM_001364075.2); short protein forms L846M, L1023M.
Identifiers: ClinVar variation 3639847 (VCV003639847.2).
Genomic context (GRCh38, chr5:87,390,806, plus strand): 5'-TGAAATTGCTGACCGAGCTTTCATTTATTTTCATACCATTTTTCCTCTGTCTAGCACGTA[T>A]TGAAAAAGCTTCTGGCTATAACAGAACTGCTTCAACAAAAACAAAACCAGTATACAAAAA-3'
Protein context (NP_002881.1, residues 1013-1033): SNERGAQQHV[Leu1023Met]KKLLAITELL

ClinVar aggregate classification (germline): Uncertain significance (1 of 4 stars; one submission).

Conditions:
Capillary malformation-arteriovenous malformation syndrome. Also called: Capillary malformation-arteriovenous malformation. Identifiers: Orphanet 137667, MedGen C1842180, MONDO:0012016.

Submission:

Labcorp Genetics (formerly Invitae), Labcorp
Classification: Uncertain significance for Capillary malformation-arteriovenous malformation syndrome. Last evaluated: 2024-03-05. Review status: criteria provided, single submitter. Criteria: Invitae Variant Classification Sherloc (09022015). Collection method: clinical testing. Allele origin: germline.
Comment: This sequence change replaces leucine, which is neutral and non-polar, with methionine, which is neutral and non-polar, at codon 1023 of the RASA1 protein (p.Leu1023Met). This variant is present in population databases (no rsID available, gnomAD 0.0009%). This variant has not been reported in the literature in individuals affected with RASA1-related conditions. An algorithm developed to predict the effect of missense changes on protein structure and function (PolyPhen-2) suggests that this variant is likely to be disruptive. In summary, the available evidence is currently insufficient to determine the role of this variant in disease. Therefore, it has been classified as a Variant of Uncertain Significance.